The following is an entry in ClinVar:

ClinVar aggregate classification (germline): Pathogenic (1 of 4 stars; one submission).

Conditions:
Primary ciliary dyskinesia. Also called: Ciliary dyskinesia. Identifiers: Orphanet 244, MedGen C0008780, MONDO:0016575, HP:0012265.

Submission:

Labcorp Genetics (formerly Invitae), Labcorp
Classification: Pathogenic for Primary ciliary dyskinesia. Last evaluated: 2024-02-09. Review status: criteria provided, single submitter. Criteria: Invitae Variant Classification Sherloc (09022015). Collection method: clinical testing. Allele origin: germline.
Comment: This sequence change creates a premature translational stop signal (p.Gln403Argfs*36) in the DNAH5 gene. It is expected to result in an absent or disrupted protein product. Loss-of-function variants in DNAH5 are known to be pathogenic (PMID: 11788826, 16627867). This variant is not present in population databases (gnomAD no frequency). This variant has not been reported in the literature in individuals affected with DNAH5-related conditions. For these reasons, this variant has been classified as Pathogenic.

Literature cited by the submitters: PubMed 11788826; PubMed 16627867.

NM_001369.3(DNAH5):c.1208del (p.Gln403fs)

Gene: DNAH5 (dynein axonemal heavy chain 5; minus strand). Cytogenetic location: 5p15.2.
Variant type: Deletion.
Coding change: c.1208del on transcript NM_001369.3 (MANE Select); coding-DNA position 1208, one base deleted (A; older notation c.1208delA).
Protein change: p.Gln403fs; shifts the reading frame from glutamine 403.
Molecular consequence: frameshift variant.
Genome position (GRCh38, 1-based): chr5:13,914,632, T deleted on the plus strand (A on the coding strand, the reverse complement: DNAH5 is on the minus strand). VCF-style (leftmost placement, unchanged base first): chr5-13914631-CT-C. GRCh37 (hg19) VCF-style: chr5-13914740-CT-C.
Other names: short protein forms Q403fs.
Identifiers: ClinVar variation 3628243 (VCV003628243.2).